The following is an entry in ClinVar:

NM_016222.4(DDX41):c.1867T>A (p.Ter623Arg)

Gene: DDX41 (DEAD-box helicase 41; minus strand). Cytogenetic location: 5q35.3.
Variant type: single nucleotide variant.
Coding change: c.1867T>A on transcript NM_016222.4 (MANE Select); coding-DNA position 1867, T replaced by A.
Protein change: p.Ter623Arg.
Molecular consequence: stop lost.
Genome position (GRCh38, 1-based): chr5:177,511,793, A>T on the plus strand (T>A on the coding strand, the complement: DDX41 is on the minus strand). VCF-style: chr5-177511793-A-T. GRCh37 (hg19) VCF-style: chr5-176938794-A-T.
Other names: c.1489T>A, p.Ter497Arg (NM_001321732.2, NM_001321830.2).
Identifiers: ClinVar variation 3372263 (VCV003372263.1).

ClinVar aggregate classification (germline): Uncertain significance (1 of 4 stars; one submission).

Submission:

GeneDx
Classification: Uncertain significance. Last evaluated: 2024-04-08. Review status: criteria provided, single submitter. Criteria: GeneDx Variant Classification Process June 2021. Collection method: clinical testing. Allele origin: germline. Affected: yes.
Comment: Not observed at significant frequency in large population cohorts (gnomAD); Stop codon loss and change to an arginine codon, leading to protein extension and the addition of 65 amino acids at the C-terminus; Has not been previously published as pathogenic or benign to our knowledge